The following is an entry in ClinVar:

ClinVar aggregate classification (germline): Likely benign (1 of 4 stars; one submission).

Allele frequency attached by ClinVar (database versions not stated): TOPMed below 0.00001.

Submission:

CeGaT Center for Human Genetics Tuebingen
Classification: Likely benign. Last evaluated: 2024-06-01. Review status: criteria provided, single submitter. Criteria: CeGaT Center For Human Genetics Tuebingen Variant Classification Criteria Version 2. Collection method: clinical testing. Allele origin: germline. Affected: yes. Observed: 1 variant allele.
Comment: AP3B2: PM2:Supporting, BP4, BP7

NM_001278512.2(AP3B2):c.645C>T (p.Asp215=)

Genes: AP3B2 (adaptor related protein complex 3 subunit beta 2; minus strand), CPEB1-AS1 (CPEB1 antisense RNA 1; plus strand). Cytogenetic location: 15q25.2.
Variant type: single nucleotide variant.
Coding change: c.645C>T on transcript NM_001278512.2 (MANE Select); coding-DNA position 645, C replaced by T.
Protein change: p.Asp215=; no amino-acid change (aspartic acid 215 retained).
Molecular consequence: synonymous variant.
Genome position (GRCh38, 1-based): chr15:82,680,963, G>A on the plus strand (C>T on the coding strand, the complement: AP3B2 is on the minus strand). VCF-style: chr15-82680963-G-A. GRCh37 (hg19) VCF-style: chr15-83349715-G-A.
Other names: c.549C>T, p.Asp183= (NM_001278511.2); c.645C>T, p.Asp215= (NM_004644.5).
Identifiers: ClinVar variation 3250832 (VCV003250832.18), dbSNP rs760520057.
Genomic context (GRCh38, chr15:82,680,963, plus strand): 5'-GCCCCACTCCTCCACGTCGATCAGCAGGTTACAGAGTTTCCGGTAGTTTTTGTGAATCAG[G>A]TCGATGCGCTCCGGGCAGACCTCCTCAAAGGCCATCACCACACTGCCCGCCACCAGCTGG-3'
Protein context (NP_001265441.1, residues 205-225): AFEEVCPERI[Asp215=]LIHKNYRKLC